The following is an entry in ClinVar:

NM_003001.5(SDHC):c.266C>T (p.Ala89Val)

Gene: SDHC (succinate dehydrogenase complex subunit C; plus strand). Cytogenetic location: 1q23.3.
Variant type: single nucleotide variant.
Coding change: c.266C>T on transcript NM_003001.5 (MANE Select); coding-DNA position 266, C replaced by T.
Protein change: p.Ala89Val; replaces alanine 89 with valine.
Molecular consequence: missense variant. On other transcripts: non-coding transcript variant (1), intron variant (3).
Genome position (GRCh38, 1-based): chr1:161,356,701, C>T. VCF-style: chr1-161356701-C-T. GRCh37 (hg19) VCF-style: chr1-161326491-C-T.
Other names: c.164C>T, p.Ala55Val (NM_001035512.3); c.107C>T, p.Ala36Val (NM_001035513.3); c.386C>T, p.Ala129Val (NM_001407115.1); c.209C>T, p.Ala70Val (NM_001407116.1); c.203C>T, p.Ala68Val (NM_001407117.1); c.158C>T, p.Ala53Val (NM_001407118.1); c.155C>T, p.Ala52Val (NM_001407119.1, NM_001407120.1); c.242-5628C>T (NM_001035511.3); and 2 more; short protein forms A36V, A70V, A52V, A129V, A53V, A68V, A55V, A89V.
Identifiers: ClinVar variation 5029307 (VCV005029307.1).

ClinVar aggregate classification (germline): Uncertain significance (1 of 4 stars; one submission).

Conditions:
Hereditary cancer-predisposing syndrome. Also called: Neoplastic Syndromes, Hereditary; Tumor predisposition; Hereditary neoplastic syndrome; Hereditary Cancer Syndrome. Identifiers: Orphanet 140162, MedGen C0027672, MeSH D009386, MONDO:0015356.

Submission:

Ambry Genetics
Classification: Uncertain significance for Hereditary cancer-predisposing syndrome. Last evaluated: 2026-07-06. Review status: criteria provided, single submitter. Criteria: Ambry Variant Classification Scheme 2023. Collection method: clinical testing. Allele origin: germline.
Comment: The p.A89V variant (also known as c.266C>T), located in coding exon 5 of the SDHC gene, results from a C to T substitution at nucleotide position 266. The alanine at codon 89 is replaced by valine, an amino acid with similar properties. This amino acid position is conserved. In addition, this alteration is predicted to be deleterious by in silico analysis. Based on the available evidence, the clinical significance of this variant remains unclear.